The following is an entry in ClinVar:

NM_000455.5(STK11):c.972G>C (p.Pro324=)

Gene: STK11 (serine/threonine kinase 11; plus strand). Cytogenetic location: 19p13.3.
Variant type: single nucleotide variant.
Coding change: c.972G>C on transcript NM_000455.5 (MANE Select); coding-DNA position 972, G replaced by C.
Protein change: p.Pro324=; no amino-acid change (proline 324 retained).
Molecular consequence: synonymous variant. On other transcripts: non-coding transcript variant (1).
Genome position (GRCh38, 1-based): chr19:1,223,036, G>C. VCF-style: chr19-1223036-G-C. GRCh37 (hg19) VCF-style: chr19-1223035-G-C.
Other names: c.972G>C, p.Pro324= (NM_001407255.1).
Identifiers: ClinVar variation 4843199 (VCV004843199.1).

ClinVar aggregate classification (germline): Uncertain significance (1 of 4 stars; one submission).

Conditions:
Hereditary cancer-predisposing syndrome. Also called: Neoplastic Syndromes, Hereditary; Tumor predisposition; Hereditary Cancer Syndrome; Hereditary neoplastic syndrome. Identifiers: Orphanet 140162, MedGen C0027672, MeSH D009386, MONDO:0015356.

Submission:

Ambry Genetics
Classification: Uncertain significance for Hereditary cancer-predisposing syndrome. Last evaluated: 2026-01-08. Review status: criteria provided, single submitter. Criteria: Ambry Variant Classification Scheme 2023. Collection method: clinical testing. Allele origin: germline.
Comment: The c.972G>C variant (also known as p.P324P), located in coding exon 8 of the STK11 gene, results from a G to C substitution at nucleotide position 972. This nucleotide substitution does not change the proline at codon 324. This nucleotide position is poorly conserved in available vertebrate species. In silico splice site analysis predicts that this alteration may result in the creation or strengthening of a novel splice acceptor site; however, direct evidence is insufficient at this time (Ambry internal data). Based on the available evidence, the clinical significance of this variant remains unclear.